The following is an entry in ClinVar:

NM_000032.5(ALAS2):c.828C>T (p.Cys276=)

Gene: ALAS2 (5'-aminolevulinate synthase 2; minus strand). Cytogenetic location: Xp11.21.
Variant type: single nucleotide variant.
Coding change: c.828C>T on transcript NM_000032.5 (MANE Select); coding-DNA position 828, C replaced by T.
Protein change: p.Cys276=; no amino-acid change (cysteine 276 retained).
Molecular consequence: synonymous variant.
Genome position (GRCh38, 1-based): chrX:55,017,661, G>A on the plus strand (C>T on the coding strand, the complement: ALAS2 is on the minus strand). VCF-style: chrX-55017661-G-A. GRCh37 (hg19) VCF-style: chrX-55044094-G-A.
Other names: p.C276C:TGC>TGT; c.717C>T, p.Cys239= (NM_001037967.4); c.789C>T, p.Cys263= (NM_001037968.4); c.828C>T, p.Cys276= (LRG_1163t1).
Identifiers: ClinVar variation 136352 (VCV000136352.15), dbSNP rs73214617, ClinGen allele CA289374.

ClinVar aggregate classification (germline): Benign/Likely benign. Review status: criteria provided, multiple submitters, no conflicts (2 of 4 stars). 6 submissions from 6 submitters: Benign (1); Likely benign (5). Last evaluated 2026-05-21.

Conditions:
ALAS2-related disorder. Also called: ALAS2-related condition.

Allele frequency attached by ClinVar (database versions not stated): 1000 Genomes Project 30x 0.00021; TOPMed 0.00034; gnomAD 0.00039 and 0.00040; gnomAD exomes 0.00040 and 0.00078; ExAC 0.00046; ESP Exome Variant Server 0.00076.
gnomAD v4.1: 880 of 1,208,969 alleles (0.073%); highest among the groups gnomAD compares: Non-Finnish European, 0.094%; no homozygotes.

Submissions (6):

PreventionGenetics, part of Exact Sciences
Classification: Likely benign for ALAS2-related condition. Last evaluated: 2026-05-21. Review status: criteria provided, single submitter. Criteria: ACMG Guidelines, 2015. Collection method: clinical testing. Allele origin: germline.
Comment: This variant is classified as likely benign based on ACMG/AMP sequence variant interpretation guidelines (Richards et al. 2015 PMID: 25741868, with internal and published modifications).

Labcorp Genetics (formerly Invitae), Labcorp
Classification: Likely benign. Last evaluated: 2025-12-26. Review status: criteria provided, single submitter. Criteria: Invitae Variant Classification Sherloc (09022015). Collection method: clinical testing. Allele origin: germline.

Blueprint Genetics
Classification: Likely benign. Last evaluated: 2024-03-04. Review status: criteria provided, single submitter. Criteria: ACMG Guidelines, 2015. Collection method: clinical testing. Allele origin: germline.

Genetic Services Laboratory, University of Chicago
Classification: Likely benign. Last evaluated: 2018-11-19. Review status: criteria provided, single submitter. Criteria: ACMG Guidelines, 2015. Collection method: clinical testing. Allele origin: germline. Affected: no.

GeneDx
Classification: Benign. Last evaluated: 2014-04-16. Review status: criteria provided, single submitter. Criteria: GeneDx Variant Classification (06012015). Collection method: clinical testing. Allele origin: germline. Affected: yes.
Comment: This variant is considered likely benign or benign based on one or more of the following criteria: it is a conservative change, it occurs at a poorly conserved position in the protein, it is predicted to be benign by multiple in silico algorithms, and/or has population frequency not consistent with disease.

Breakthrough Genomics
Classification: Likely benign. Review status: criteria provided, single submitter. Criteria: ACMG Guidelines, 2015. Collection method: not provided. Allele origin: germline. Inheritance: X-linked inheritance. Affected: yes.